The following is an entry in ClinVar:

NM_005032.7(PLS3):c.987T>C (p.Asn329=)

Gene: PLS3 (plastin 3; plus strand). Cytogenetic location: Xq23.
Variant type: single nucleotide variant.
Coding change: c.987T>C on transcript NM_005032.7 (MANE Select); coding-DNA position 987, T replaced by C.
Protein change: p.Asn329=; no amino-acid change (asparagine 329 retained).
Molecular consequence: synonymous variant.
Genome position (GRCh38, 1-based): chrX:115,640,503, T>C. VCF-style: chrX-115640503-T-C. GRCh37 (hg19) VCF-style: chrX-114874815-T-C.
Other names: c.987T>C, p.Asn329= (NM_001136025.5); c.906T>C, p.Asn302= (NM_001172335.3); c.948T>C, p.Asn316= (NM_001282337.2); c.852T>C, p.Asn284= (NM_001282338.2).
Identifiers: ClinVar variation 3673657 (VCV003673657.3).
Genomic context (GRCh38, chrX:115,640,503, plus strand): 5'-CGCACCAAAAGGACAAAAGGAAGGTGAACCACGGATAGATATTAACATGTCAGGTTTCAA[T>C]GTAAGTATAAGTGCTCTTTTGAATTCTACAATCTTGCAAAATTATTGTCAATTTCTTATA-3'
Protein context (NP_005023.2, residues 319-339): PRIDINMSGF[Asn329=]ETDDLKRAES

ClinVar aggregate classification (germline): Uncertain significance (1 of 4 stars; one submission).

gnomAD v4.1: 1 of 1,067,032 alleles (0.000094%); highest among the groups gnomAD compares: Non-Finnish European, 0.00013%; no homozygotes.

Submissions (3):

Labcorp Genetics (formerly Invitae), Labcorp
Classification: Uncertain significance. Last evaluated: 2025-08-18. Review status: criteria provided, single submitter. Criteria: Invitae Variant Classification Sherloc (09022015). Collection method: clinical testing. Allele origin: germline.
Comment: This sequence change affects codon 329 of the PLS3 mRNA. It is a 'silent' change, meaning that it does not change the encoded amino acid sequence of the PLS3 protein. It affects a nucleotide within the consensus splice site. This variant is not present in population databases (gnomAD no frequency). This variant has not been reported in the literature in individuals affected with PLS3-related conditions. ClinVar contains an entry for this variant (Variation ID: 3673657). Algorithms developed to predict the effect of sequence changes on RNA splicing suggest that this variant is not likely to affect RNA splicing. In summary, the available evidence is currently insufficient to determine the role of this variant in disease. Therefore, it has been classified as a Variant of Uncertain Significance.

Dr. Peter K. Rogan Lab, Western University
No classification provided (evidence only). Condition: Nonpapillary renal cell carcinoma. Review status: no classification provided. Collection method: in vitro. Allele origin: not applicable. Functional consequence: retained intron. Not counted in ClinVar's aggregate classification.

Dr. Peter K. Rogan Lab, Western University
No classification provided (evidence only). Condition: Nonpapillary renal cell carcinoma. Review status: no classification provided. Collection method: in vitro. Allele origin: not applicable. Functional consequence: skipped exon. Not counted in ClinVar's aggregate classification.